The following is an entry in ClinVar:

ClinVar aggregate classification (germline): Likely benign (0 of 4 stars; one submission).

Conditions:
VPS11-related disorder. Also called: VPS11-related condition.

Submission:

PreventionGenetics, part of Exact Sciences
Classification: Likely benign for VPS11-related condition. Last evaluated: 2024-09-19. Review status: no assertion criteria provided. Collection method: clinical testing. Allele origin: germline.
Comment: This variant is classified as likely benign based on ACMG/AMP sequence variant interpretation guidelines (Richards et al. 2015 PMID: 25741868, with internal and published modifications).

NM_021729.6(VPS11):c.684C>G (p.Thr228=)

Gene: VPS11 (VPS11 core subunit of CORVET and HOPS complexes; plus strand). Cytogenetic location: 11q23.3.
Variant type: single nucleotide variant.
Coding change: c.684C>G on transcript NM_021729.6 (MANE Select); coding-DNA position 684, C replaced by G.
Protein change: p.Thr228=; no amino-acid change (threonine 228 retained).
Molecular consequence: synonymous variant. On other transcripts: non-coding transcript variant (5).
Genome position (GRCh38, 1-based): chr11:119,071,643, C>G. VCF-style: chr11-119071643-C-G. GRCh37 (hg19) VCF-style: chr11-118942353-C-G.
Other names: c.654C>G, p.Thr218= (NM_001290185.2); c.696C>G, p.Thr232= (NM_001378218.1); c.684C>G, p.Thr228= (NM_001378219.1, NM_001378220.1); c.666C>G, p.Thr222= (NM_001378221.1).
Identifiers: ClinVar variation 3352492 (VCV003352492.1).
Genomic context (GRCh38, chr11:119,071,643, plus strand): 5'-TTGCTTCTGGCAGTCCTATATAGTTTCTGGAAAAGACTACCCTCGCGTGGAGTTGGACAC[C>G]CATGGTTGTGGCCTGCGCTGCTCAGCCCTAAGTGACCCTTCTCAGGACCTGCAGTTCATT-3'
Protein context (NP_068375.3, residues 218-238): GKDYPRVELD[Thr228=]HGCGLRCSAL